The following is an entry in ClinVar:

NM_001318241.2(TBATA):c.157C>T (p.Arg53Cys)

Gene: TBATA (thymus, brain and testes associated; minus strand). Cytogenetic location: 10q22.1.
Variant type: single nucleotide variant.
Coding change: c.157C>T on transcript NM_001318241.2 (MANE Select); coding-DNA position 157, C replaced by T.
Protein change: p.Arg53Cys; replaces arginine 53 with cysteine.
Molecular consequence: missense variant. On other transcripts: non-coding transcript variant (5).
Genome position (GRCh38, 1-based): chr10:70,781,921, G>A on the plus strand (C>T on the coding strand, the complement: TBATA is on the minus strand). VCF-style: chr10-70781921-G-A. GRCh37 (hg19) VCF-style: chr10-72541677-G-A.
Other names: c.157C>T, p.Arg53Cys (NM_001318242.2, NM_001318243.2, NM_152710.4); short protein forms R53C.
Identifiers: ClinVar variation 375275 (VCV000375275.1), dbSNP rs759944122, ClinGen allele CA5540969.

ClinVar aggregate classification (germline): Likely pathogenic (0 of 4 stars; one submission).

Conditions:
Hirschsprung disease, susceptibility to, 1 (HSCR1). Also called: RET-Related Hirschsprung Disease. Identifiers: Orphanet 388, MedGen C3888239, MONDO:0007723, OMIM 142623.

Allele frequency attached by ClinVar (database versions not stated): gnomAD exomes 0.00001 and 0.00003; TOPMed 0.00003; ExAC 0.00004; gnomAD 0.00001.
gnomAD v4.1: 23 of 1,614,090 alleles (0.0014%); highest among the groups gnomAD compares: East Asian, 0.0067%; no homozygotes.

Submission:

Centre for Genomic Sciences, University of Hong Kong
Classification: Likely pathogenic for Hirschsprung disease, susceptibility to, 1. Last evaluated: 2016-09-26. Review status: no assertion criteria provided. Collection method: in vivo. Allele origin: not applicable. Inheritance: Autosomal dominant inheritance.
Comment: Missense predicted damaging variant